The following is an entry in ClinVar:

ClinVar aggregate classification (germline): Pathogenic (1 of 4 stars; one submission).

Submission:

GeneDx
Classification: Pathogenic. Last evaluated: 2018-12-14. Review status: criteria provided, single submitter. Criteria: GeneDx Variant Classification (06012015). Collection method: clinical testing. Allele origin: germline. Affected: yes.
Comment: The Q113X nonsense variant in the SATB2 gene has not been published as a pathogenic variant, nor has it been reported as a benign variant to our knowledge. This variant is predicted to cause loss of normal protein function either through protein truncation or nonsense-mediated mRNA decay. The Q113X variant is not observed in large population cohorts (Lek et al., 2016). Therefore, the Q113X variant is considered a pathogenic variant, and its presence is consistent with SATB2-associated disorder.

NM_001172509.2(SATB2):c.337C>T (p.Gln113Ter)

Gene: SATB2 (SATB homeobox 2; minus strand). Cytogenetic location: 2q33.1.
Variant type: single nucleotide variant.
Coding change: c.337C>T on transcript NM_001172509.2 (MANE Select); coding-DNA position 337, C replaced by T.
Protein change: p.Gln113Ter; replaces glutamine 113 with a stop codon.
Molecular consequence: nonsense. On other transcripts: non-coding transcript variant (1).
Genome position (GRCh38, 1-based): chr2:199,433,347, G>A on the plus strand (C>T on the coding strand, the complement: SATB2 is on the minus strand). VCF-style: chr2-199433347-G-A. GRCh37 (hg19) VCF-style: chr2-200298070-G-A.
Other names: c.337C>T, p.Gln113Ter (NM_001172517.1, NM_015265.4); short protein forms Q113*.
Identifiers: ClinVar variation 620517 (VCV000620517.1), dbSNP rs1559052053, ClinGen allele CA350386630.
Genomic context (GRCh38, chr2:199,433,347, plus strand): 5'-CAAATTATGACACACAAGAGACTTGGGAGGAGAGGGGAGAGGCATTAATACCTTGGGCCT[G>A]GGCCGCAGAGCTGTGAGAATACCCCAGGGCCAGGAGCGCAGTCTCCACCAGCTGGCTAAA-3'